The following is an entry in ClinVar:

ClinVar aggregate classification (germline): Uncertain significance (1 of 4 stars; one submission).

gnomAD v4.1: 50 of 1,614,080 alleles (0.0031%); highest among the groups gnomAD compares: Non-Finnish European, 0.0039%; no homozygotes.

Submission:

Labcorp Genetics (formerly Invitae), Labcorp
Classification: Uncertain significance. Last evaluated: 2025-06-11. Review status: criteria provided, single submitter. Criteria: Invitae Variant Classification Sherloc (09022015). Collection method: clinical testing. Allele origin: germline.
Comment: This sequence change replaces arginine, which is basic and polar, with histidine, which is basic and polar, at codon 3553 of the TRRAP protein (p.Arg3553His). This variant is present in population databases (rs371641479, gnomAD 0.01%). This missense change has been observed in individual(s) with a neurodevelopmental disorder (PMID: 28191889). Invitae Evidence Modeling of protein sequence and biophysical properties (such as structural, functional, and spatial information, amino acid conservation, physicochemical variation, residue mobility, and thermodynamic stability) indicates that this missense variant is expected to disrupt TRRAP protein function with a positive predictive value of 80%. In summary, the available evidence is currently insufficient to determine the role of this variant in disease. Therefore, it has been classified as a Variant of Uncertain Significance.

Literature cited by the submitters: PubMed 28191889.

NM_001375524.1(TRRAP):c.10787G>A (p.Arg3596His)

Gene: TRRAP (transformation/transcription domain associated protein; plus strand). Cytogenetic location: 7q22.1.
Variant type: single nucleotide variant.
Coding change: c.10787G>A on transcript NM_001375524.1 (MANE Select); coding-DNA position 10787, G replaced by A.
Protein change: p.Arg3596His; replaces arginine 3596 with histidine.
Molecular consequence: missense variant.
Genome position (GRCh38, 1-based): chr7:99,008,410, G>A. VCF-style: chr7-99008410-G-A. GRCh37 (hg19) VCF-style: chr7-98606033-G-A.
Other names: c.10745G>A, p.Arg3582His (NM_001244580.2); c.10658G>A, p.Arg3553His (NM_003496.4); short protein forms R3582H, R3553H, R3596H.
Identifiers: ClinVar variation 4748027 (VCV004748027.1).
Genomic context (GRCh38, chr7:99,008,410, plus strand): 5'-GCCCCGTTTCTCTTCCTCTCTCCCCAGTGCCCCGGGTTGTGGCAGTTTCCCCACAGATGC[G>A]CCTCGTGGAGGACAACCCCTCTTCACTTTCCCTTGTGGAGATCTACAAGCAGCGCTGCGC-3'
Protein context (NP_001362453.1, residues 3586-3606): PRVVAVSPQM[Arg3596His]LVEDNPSSLS